The following is an entry in ClinVar:

NM_001287.6(CLCN7):c.1603C>A (p.Leu535Ile)

Gene: CLCN7 (chloride voltage-gated channel 7; minus strand). Cytogenetic location: 16p13.3.
Variant type: single nucleotide variant.
Coding change: c.1603C>A on transcript NM_001287.6 (MANE Select); coding-DNA position 1603, C replaced by A.
Protein change: p.Leu535Ile; replaces leucine 535 with isoleucine.
Molecular consequence: missense variant.
Genome position (GRCh38, 1-based): chr16:1,450,511, G>T on the plus strand (C>A on the coding strand, the complement: CLCN7 is on the minus strand). VCF-style: chr16-1450511-G-T. GRCh37 (hg19) VCF-style: chr16-1500512-G-T.
Other names: c.1531C>A, p.Leu511Ile (NM_001114331.3); short protein forms L511I, L535I.
Identifiers: ClinVar variation 3637159 (VCV003637159.2).

ClinVar aggregate classification (germline): Uncertain significance (1 of 4 stars; one submission).

Submission:

Labcorp Genetics (formerly Invitae), Labcorp
Classification: Uncertain significance. Last evaluated: 2024-05-09. Review status: criteria provided, single submitter. Criteria: Invitae Variant Classification Sherloc (09022015). Collection method: clinical testing. Allele origin: germline.
Comment: This sequence change replaces leucine, which is neutral and non-polar, with isoleucine, which is neutral and non-polar, at codon 535 of the CLCN7 protein (p.Leu535Ile). This variant is not present in population databases (gnomAD no frequency). This variant has not been reported in the literature in individuals affected with CLCN7-related conditions. Advanced modeling of protein sequence and biophysical properties (such as structural, functional, and spatial information, amino acid conservation, physicochemical variation, residue mobility, and thermodynamic stability) performed at Invitae indicates that this missense variant is not expected to disrupt CLCN7 protein function with a negative predictive value of 95%. In summary, the available evidence is currently insufficient to determine the role of this variant in disease. Therefore, it has been classified as a Variant of Uncertain Significance.